The following is an entry in ClinVar:

NM_024642.5(GALNT12):c.501G>T (p.Leu167=)

Gene: GALNT12 (polypeptide N-acetylgalactosaminyltransferase 12; plus strand). Cytogenetic location: 9q22.33.
Variant type: single nucleotide variant.
Coding change: c.501G>T on transcript NM_024642.5 (MANE Select); coding-DNA position 501, G replaced by T.
Protein change: p.Leu167=; no amino-acid change (leucine 167 retained).
Molecular consequence: synonymous variant.
Genome position (GRCh38, 1-based): chr9:98,823,385, G>T. VCF-style: chr9-98823385-G-T. GRCh37 (hg19) VCF-style: chr9-101585667-G-T.
Identifiers: ClinVar variation 697418 (VCV000697418.18), dbSNP rs200879096, ClinGen allele CA5153953.

ClinVar aggregate classification (germline): Benign/Likely benign. Review status: criteria provided, multiple submitters, no conflicts (2 of 4 stars). 4 submissions from 4 submitters: Benign (1); Likely benign (3). Last evaluated 2026-04-23.

Conditions:
Colorectal cancer, susceptibility to, 1. Also called: COLORECTAL ADENOMA AND CANCER, SUSCEPTIBILITY TO; COLORECTAL CANCER, SUSCEPTIBILITY TO, ON CHROMOSOME 9. Identifiers: MedGen C1837315, MONDO:0012132, OMIM 608812.

Allele frequency attached by ClinVar (database versions not stated): ExAC 0.00004; 1000 Genomes Project 0.00020; gnomAD 0.00003; gnomAD exomes 0.00004; TOPMed 0.00005.

Submissions (4):

Myriad Genetics, Inc.
Classification: Benign for Colorectal cancer, susceptibility to, 1. Last evaluated: 2026-04-23. Review status: criteria provided, single submitter. Criteria: Myriad Autosomal Dominant, Autosomal Recessive and X-Linked Classification Criteria (2023). Collection method: clinical testing. Allele origin: unknown.
Comment: This variant is considered benign. This variant is a silent/synonymous amino acid change and it is not expected to impact splicing.

Labcorp Genetics (formerly Invitae), Labcorp
Classification: Likely benign. Last evaluated: 2025-12-10. Review status: criteria provided, single submitter. Criteria: Invitae Variant Classification Sherloc (09022015). Collection method: clinical testing. Allele origin: germline.

Quest Diagnostics Nichols Institute San Juan Capistrano
Classification: Likely benign. Last evaluated: 2025-02-26. Review status: criteria provided, single submitter. Criteria: Quest Diagnostics criteria. Collection method: clinical testing. Allele origin: unknown.

Ambry Genetics
Classification: Likely benign. Last evaluated: 2018-11-01. Review status: criteria provided, single submitter. Criteria: Ambry Variant Classification Scheme 2023. Collection method: clinical testing. Allele origin: germline.